The following is an entry in ClinVar:

NM_015570.4(AUTS2):c.179G>C (p.Gly60Ala)

Gene: AUTS2 (activator of transcription and developmental regulator AUTS2; plus strand). Cytogenetic location: 7q11.22.
Variant type: single nucleotide variant.
Coding change: c.179G>C on transcript NM_015570.4 (MANE Select); coding-DNA position 179, G replaced by C.
Protein change: p.Gly60Ala; replaces glycine 60 with alanine.
Molecular consequence: missense variant.
Genome position (GRCh38, 1-based): chr7:69,599,832, G>C. VCF-style: chr7-69599832-G-C. GRCh37 (hg19) VCF-style: chr7-69064818-G-C.
Other names: c.179G>C, p.Gly60Ala (NM_001127231.3, NM_001127232.3); short protein forms G60A.
Identifiers: ClinVar variation 4730040 (VCV004730040.1).

ClinVar aggregate classification (germline): Uncertain significance (1 of 4 stars; one submission).

gnomAD v4.1: 1 of 1,610,670 alleles (0.000062%); highest among the groups gnomAD compares: African/African-American, 0.0013%; no homozygotes.

Submission:

Labcorp Genetics (formerly Invitae), Labcorp
Classification: Uncertain significance. Last evaluated: 2025-10-27. Review status: criteria provided, single submitter. Criteria: Invitae Variant Classification Sherloc (09022015). Collection method: clinical testing. Allele origin: germline.
Comment: This sequence change replaces glycine, which is neutral and non-polar, with alanine, which is neutral and non-polar, at codon 60 of the AUTS2 protein (p.Gly60Ala). This variant is present in population databases (no rsID available, gnomAD 0.01%). This variant has not been reported in the literature in individuals affected with AUTS2-related conditions. An algorithm developed to predict the effect of missense changes on protein structure and function (PolyPhen-2) suggests that this variant is likely to be tolerated. In summary, the available evidence is currently insufficient to determine the role of this variant in disease. Therefore, it has been classified as a Variant of Uncertain Significance.